The following is an entry in ClinVar:

NM_006312.6(NCOR2):c.4554G>A (p.Ser1518=)

Gene: NCOR2 (nuclear receptor corepressor 2; minus strand). Cytogenetic location: 12q24.31.
Variant type: single nucleotide variant.
Coding change: c.4554G>A on transcript NM_006312.6 (MANE Select); coding-DNA position 4554, G replaced by A.
Protein change: p.Ser1518=; no amino-acid change (serine 1518 retained).
Molecular consequence: synonymous variant.
Genome position (GRCh38, 1-based): chr12:124,344,757, C>T on the plus strand (G>A on the coding strand, the complement: NCOR2 is on the minus strand). VCF-style: chr12-124344757-C-T. GRCh37 (hg19) VCF-style: chr12-124829303-C-T.
Other names: c.4524G>A, p.Ser1508= (NM_001077261.4, NM_001206654.2).
Identifiers: ClinVar variation 2643553 (VCV002643553.24), dbSNP rs551690182, ClinGen allele CA6868233.

ClinVar aggregate classification (germline): Likely benign (1 of 4 stars; one submission).

Allele frequency attached by ClinVar (database versions not stated): 1000 Genomes Project 0.00020; 1000 Genomes Project 30x 0.00031; ExAC 0.00051.
gnomAD v4.1: 133 of 1,548,740 alleles (0.0086%); highest among the groups gnomAD compares: South Asian, 0.11%; no homozygotes.

Submission:

CeGaT Center for Human Genetics Tuebingen
Classification: Likely benign. Last evaluated: 2022-08-01. Review status: criteria provided, single submitter. Criteria: CeGaT Center For Human Genetics Tuebingen Variant Classification Criteria Version 2. Collection method: clinical testing. Allele origin: germline. Affected: yes. Observed: 1 variant allele.
Comment: NCOR2: BP4, BP7